The following is an entry in ClinVar:

NM_001372.4(DNAH9):c.4063G>A (p.Ala1355Thr)

Gene: DNAH9 (dynein axonemal heavy chain 9; plus strand). Cytogenetic location: 17p12.
Variant type: single nucleotide variant.
Coding change: c.4063G>A on transcript NM_001372.4 (MANE Select); coding-DNA position 4063, G replaced by A.
Protein change: p.Ala1355Thr; replaces alanine 1355 with threonine.
Molecular consequence: missense variant.
Genome position (GRCh38, 1-based): chr17:11,689,885, G>A. VCF-style: chr17-11689885-G-A. GRCh37 (hg19) VCF-style: chr17-11593202-G-A.
Other names: short protein forms A1355T.
Identifiers: ClinVar variation 1715545 (VCV001715545.5), dbSNP rs765118563, ClinGen allele CA8395595.

ClinVar aggregate classification (germline): Uncertain significance (1 of 4 stars; one submission).

Allele frequency attached by ClinVar (database versions not stated): gnomAD exomes below 0.00001; ExAC 0.00001.
gnomAD v4.1: 2 of 1,607,840 alleles (0.00012%); highest among the groups gnomAD compares: Non-Finnish European, 0.00017%; no homozygotes.

Submission:

Labcorp Genetics (formerly Invitae), Labcorp
Classification: Uncertain significance. Last evaluated: 2022-12-06. Review status: criteria provided, single submitter. Criteria: Invitae Variant Classification Sherloc (09022015). Collection method: clinical testing. Allele origin: germline.
Comment: Advanced modeling of protein sequence and biophysical properties (such as structural, functional, and spatial information, amino acid conservation, physicochemical variation, residue mobility, and thermodynamic stability) performed at Invitae indicates that this missense variant is not expected to disrupt DNAH9 protein function. In summary, the available evidence is currently insufficient to determine the role of this variant in disease. Therefore, it has been classified as a Variant of Uncertain Significance. ClinVar contains an entry for this variant (Variation ID: 1715545). This variant has not been reported in the literature in individuals affected with DNAH9-related conditions. This variant is present in population databases (rs765118563, gnomAD 0.001%). This sequence change replaces alanine, which is neutral and non-polar, with threonine, which is neutral and polar, at codon 1355 of the DNAH9 protein (p.Ala1355Thr).